The following is an entry in ClinVar:

NM_001048174.2(MUTYH):c.268G>C (p.Glu90Gln)

Gene: MUTYH (mutY DNA glycosylase; minus strand). Cytogenetic location: 1p34.1.
Variant type: single nucleotide variant.
Coding change: c.268G>C on transcript NM_001048174.2 (MANE Select); coding-DNA position 268, G replaced by C.
Protein change: p.Glu90Gln; replaces glutamic acid 90 with glutamine.
Molecular consequence: missense variant. On other transcripts: non-coding transcript variant (7), 5 prime UTR variant (6).
Genome position (GRCh38, 1-based): chr1:45,333,321, C>G on the plus strand (G>C on the coding strand, the complement: MUTYH is on the minus strand). VCF-style: chr1-45333321-C-G. GRCh37 (hg19) VCF-style: chr1-45798993-C-G.
Other names: c.310G>C, p.Glu104Gln (NM_001407083.1, NM_001407085.1, NM_001407073.1); c.271G>C, p.Glu91Gln (NM_001407086.1, NM_001048172.2, NM_001407071.1 and 2 more transcripts); c.289G>C, p.Glu97Gln (NM_001407087.1); c.268G>C, p.Glu90Gln (NM_001407088.1, NM_001407089.1, NM_001048171.2 and 6 more transcripts); c.-9G>C (NM_001407091.1, NM_001293192.2, NM_001293196.2); c.343G>C, p.Glu115Gln (NM_012222.3, NM_001407069.1); c.352G>C, p.Glu118Gln (NM_001128425.2); c.313G>C, p.Glu105Gln (NM_001293190.2); and 3 more; short protein forms E90Q, E105Q, E115Q, E118Q, E97Q, E62Q, E91Q, E101Q.
Identifiers: ClinVar variation 4113613 (VCV004113613.1).

ClinVar aggregate classification (germline): Uncertain significance (1 of 4 stars; one submission).

Conditions:
Hereditary cancer-predisposing syndrome. Also called: Hereditary neoplastic syndrome; Neoplastic Syndromes, Hereditary; Tumor predisposition; Hereditary Cancer Syndrome. Identifiers: Orphanet 140162, MedGen C0027672, MeSH D009386, MONDO:0015356.

Submission:

Ambry Genetics
Classification: Uncertain significance for Hereditary cancer-predisposing syndrome. Last evaluated: 2025-08-27. Review status: criteria provided, single submitter. Criteria: Ambry Variant Classification Scheme 2023. Collection method: clinical testing. Allele origin: germline.
Comment: The p.E118Q variant (also known as c.352G>C), located in coding exon 4 of the MUTYH gene, results from a G to C substitution at nucleotide position 352. The glutamic acid at codon 118 is replaced by glutamine, an amino acid with highly similar properties. This amino acid position is conserved. In addition, this alteration is predicted to be tolerated by in silico analysis. Based on the available evidence, the clinical significance of this variant remains unclear.